The following is an entry in ClinVar:

ClinVar aggregate classification (germline): Likely benign (1 of 4 stars; one submission).

Conditions:
Leigh syndrome (NULS). Also called: Leigh's necrotizing encephalopathy; Leigh's disease; Leigh's syndrome; LEIGH SYNDROME, NUCLEAR; Leigh Syndrome (mtDNA deletion); Leigh Disease. Identifiers: Orphanet 506, MedGen C2931891, MONDO:0009723, OMIM 256000.

Submission:

Wong Mito Lab, Molecular and Human Genetics, Baylor College of Medicine
Classification: Likely benign for Leigh syndrome. Last evaluated: 2019-10-17. Review status: criteria provided, single submitter. Criteria: Modified ACMG Guidelines (Unpublished). Collection method: clinical testing. Allele origin: germline.
Comment: The NC_012920.1:m.13676A>G (YP_003024036.1:p.Asn447Ser) variant in MTND5 gene is interpretated to be a Likely Benign variant based on the modified ACMG guidelines (unpublished). This variant meets the following evidence codes: BP4, BP5

NC_012920.1(MT-ND5):m.13676A>G

Gene: MT-ND5 (mitochondrially encoded NADH dehydrogenase 5; plus strand).
Variant type: single nucleotide variant.
Genome position: chrM-13676-A-G.
Identifiers: ClinVar variation 693590 (VCV000693590.1), dbSNP rs1603224300, ClinGen allele CA414819038.